The following is an entry in ClinVar:

ClinVar aggregate classification (germline): Uncertain significance (1 of 4 stars; one submission).

Conditions:
Dyskeratosis congenita, autosomal recessive 5 (DKCB5). Identifiers: MedGen C3554656, MONDO:0014076, OMIM 615190.
Pulmonary fibrosis and/or bone marrow failure, Telomere-related, 3. Also called: PULMONARY FIBROSIS AND/OR BONE MARROW FAILURE SYNDROME, TELOMERE-RELATED, 3. Identifiers: Orphanet 2032, MedGen C4225346, MONDO:0014613, OMIM 616373.

Allele frequency attached by ClinVar (database versions not stated): gnomAD exomes 0.00001; ESP Exome Variant Server 0.00008.
gnomAD v4.1: 12 of 1,614,146 alleles (0.00074%); highest among the groups gnomAD compares: Non-Finnish European, 0.00093%; no homozygotes.

Submission:

Labcorp Genetics (formerly Invitae), Labcorp
Classification: Uncertain significance for Dyskeratosis congenita, autosomal recessive 5; Pulmonary fibrosis and/or bone marrow failure, Telomere-related, 3. Last evaluated: 2023-11-21. Review status: criteria provided, single submitter. Criteria: Invitae Variant Classification Sherloc (09022015). Collection method: clinical testing. Allele origin: germline.
Comment: This sequence change replaces leucine, which is neutral and non-polar, with valine, which is neutral and non-polar, at codon 312 of the RTEL1 protein (p.Leu312Val). This variant is not present in population databases (gnomAD no frequency). This variant has not been reported in the literature in individuals affected with RTEL1-related conditions. An algorithm developed to predict the effect of missense changes on protein structure and function (PolyPhen-2) suggests that this variant is likely to be tolerated. In summary, the available evidence is currently insufficient to determine the role of this variant in disease. Therefore, it has been classified as a Variant of Uncertain Significance.

NM_001283009.2(RTEL1):c.934C>G (p.Leu312Val)

Genes: RTEL1 (regulator of telomere elongation helicase 1; plus strand), RTEL1-TNFRSF6B (RTEL1-TNFRSF6B readthrough (NMD candidate); plus strand). Cytogenetic location: 20q13.33.
Variant type: single nucleotide variant.
Coding change: c.934C>G on transcript NM_001283009.2 (MANE Select); coding-DNA position 934, C replaced by G.
Protein change: p.Leu312Val; replaces leucine 312 with valine.
Molecular consequence: missense variant. On other transcripts: non-coding transcript variant (1).
Genome position (GRCh38, 1-based): chr20:63,678,159, C>G. VCF-style: chr20-63678159-C-G. GRCh37 (hg19) VCF-style: chr20-62309512-C-G.
Other names: c.1006C>G, p.Leu336Val (NM_032957.5); c.265C>G, p.Leu89Val (NM_001283010.1); c.934C>G, p.Leu312Val (NM_016434.4); short protein forms L336V, L89V, L312V.
Identifiers: ClinVar variation 2930237 (VCV002930237.3), dbSNP rs376302975, ClinGen allele CA9964512.